The following is an entry in ClinVar:

ClinVar aggregate classification (germline): Pathogenic (1 of 4 stars; one submission).

Conditions:
Familial thoracic aortic aneurysm and aortic dissection (TAAD). Also called: Thoracic aortic aneurysms and dissections. Identifiers: Orphanet 91387, MedGen C4707243, MONDO:0019625.
Marfan syndrome (MFS). Also called: FBN1-Related Marfan Syndrome; Marfan syndrome type 1; Marfan's syndrome; Marfan syndrome, classic; MARFAN SYNDROME, TYPE I. Identifiers: Orphanet 284963, Orphanet 558, MedGen C0024796, MONDO:0007947, OMIM 154700.

Submission:

Labcorp Genetics (formerly Invitae), Labcorp
Classification: Pathogenic for Marfan syndrome; Familial thoracic aortic aneurysm and aortic dissection. Last evaluated: 2025-03-20. Review status: criteria provided, single submitter. Criteria: Invitae Variant Classification Sherloc (09022015). Collection method: clinical testing. Allele origin: germline.
Comment: This sequence change affects an acceptor splice site in intron 48 of the FBN1 gene. It is expected to disrupt RNA splicing. Variants that disrupt the donor or acceptor splice site typically lead to a loss of protein function (PMID: 16199547), and loss-of-function variants in FBN1 are known to be pathogenic (PMID: 17657824, 19293843). This variant is not present in population databases (gnomAD no frequency). Disruption of this splice site has been observed in individuals with aortic disease and clinical features of Marfan syndrome (PMID: 16220557, 20564469, 27611364; internal data). ClinVar contains an entry for this variant (Variation ID: 644021). Algorithms developed to predict the effect of sequence changes on RNA splicing suggest that this variant may disrupt the consensus splice site. For these reasons, this variant has been classified as Pathogenic.

Literature cited by the submitters: PubMed 16199547; PubMed 17657824; PubMed 19293843; PubMed 16220557; PubMed 20564469; PubMed 27611364.

NM_000138.5(FBN1):c.5918-1G>A

Gene: FBN1 (fibrillin 1; minus strand). Cytogenetic location: 15q21.1.
Variant type: single nucleotide variant.
Coding change: c.5918-1G>A on transcript NM_000138.5 (MANE Select); the canonical splice acceptor site of the intron before coding-DNA position 5918, G replaced by A.
Molecular consequence: splice acceptor variant.
Genome position (GRCh38, 1-based): chr15:48,444,661, C>T on the plus strand (G>A on the coding strand, the complement: FBN1 is on the minus strand). VCF-style: chr15-48444661-C-T. GRCh37 (hg19) VCF-style: chr15-48736858-C-T.
Other names: c.5918-1G>A (NM_001406716.1).
Identifiers: ClinVar variation 644021 (VCV000644021.11), dbSNP rs1566898144, ClinGen allele CA392339911.